The following is an entry in ClinVar:

NM_001190274.2(FBXO11):c.1799A>G (p.His600Arg)

Gene: FBXO11 (F-box protein 11; minus strand). Cytogenetic location: 2p16.3.
Variant type: single nucleotide variant.
Coding change: c.1799A>G on transcript NM_001190274.2 (MANE Select); coding-DNA position 1799, A replaced by G.
Protein change: p.His600Arg; replaces histidine 600 with arginine.
Molecular consequence: missense variant.
Genome position (GRCh38, 1-based): chr2:47,819,077, T>C on the plus strand (A>G on the coding strand, the complement: FBXO11 is on the minus strand). VCF-style: chr2-47819077-T-C. GRCh37 (hg19) VCF-style: chr2-48046216-T-C.
Other names: c.1547A>G, p.His516Arg (NM_001374325.1, NM_025133.4); short protein forms H516R, H600R.
Identifiers: ClinVar variation 1690436 (VCV001690436.2), dbSNP rs2104703613, ClinGen allele CA346764183.
Genomic context (GRCh38, chr2:47,819,077, plus strand): 5'-ACTCCAGCTAGAGTGTTACTATAAACTTCATTCTCTTCTATTACTCCTTGTCCCTTTTCA[T>C]GCTAAATGAAAGTTACACTGGTTATAATATTTATCTTCTATAAGCAAGGCGTTTATAGTC-3'
Protein context (NP_001177203.1, residues 590-610): HDGQHGGIYV[His600Arg]EKGQGVIEEN

ClinVar aggregate classification (germline): Uncertain significance (1 of 4 stars; one submission).

Submission:

Laboratorio de Genetica e Diagnostico Molecular, Hospital Israelita Albert Einstein
Classification: Uncertain significance. Last evaluated: 2021-08-27. Review status: criteria provided, single submitter. Criteria: ACMG Guidelines, 2015. Collection method: clinical testing. Allele origin: germline. Affected: yes.
Comment: ACMG classification criteria: PM2, PP2, PP3